The following is an entry in ClinVar:

NM_023110.2(FGFR1):c.-881G>A

Gene: FGFR1 (fibroblast growth factor receptor 1; minus strand). Cytogenetic location: 8p11.23.
Variant type: single nucleotide variant.
Coding change: c.-881G>A on transcript NM_023110.2; 881 bases upstream of the start codon, G replaced by A.
Genome position (GRCh38, 1-based): chr8:38,468,773, C>T on the plus strand (G>A on the coding strand, the complement: FGFR1 is on the minus strand). VCF-style: chr8-38468773-C-T. GRCh37 (hg19) VCF-style: chr8-38326291-C-T.
Identifiers: ClinVar variation 362922 (VCV000362922.7), dbSNP rs17182051, ClinGen allele CA10627756.

ClinVar aggregate classification (germline): Benign. Review status: criteria provided, single submitter (1 of 4 stars). 4 submissions from 1 submitter: Benign (4). Last evaluated 2018-01-12.

Conditions:
Trigonocephaly 1 (TRIGNO1). Identifiers: Orphanet 3366, MedGen C0432122, MONDO:0008603, OMIM 190440.
Hypogonadotropic hypogonadism 2 with or without anosmia (HH2). Also called: FGFR1-Related GnRH Deficiency (Kallmann Syndrome 2); HYPOGONADOTROPIC HYPOGONADISM 2 WITHOUT ANOSMIA; HYPOGONADOTROPIC HYPOGONADISM 2 WITH OR WITHOUT ANOSMIA, SUSCEPTIBILITY TO; HYPOGONADOTROPIC HYPOGONADISM 2 WITHOUT ANOSMIA, SUSCEPTIBILITY TO. Identifiers: Orphanet 478, MedGen C1563720, MONDO:0007844, OMIM 147950. Disease mechanism: loss of function.
Craniosynostosis syndrome. Also called: Craniosynostosis. Identifiers: Orphanet 1531, MedGen C0010278, MeSH D003398, MONDO:0015469, HP:0001363.
Osteoglophonic dysplasia (OGD). Also called: Osteoglophonic dwarfism. Identifiers: Orphanet 2645, MedGen C0432283, MONDO:0008150, OMIM 166250.

Allele frequency attached by ClinVar (database versions not stated): gnomAD 0.02149 and 0.01991; TOPMed 0.02235; 1000 Genomes Project 0.00519; 1000 Genomes Project 30x 0.00500; gnomAD exomes 0.02185.

Submissions (4):

Illumina Laboratory Services, Illumina
Classification: Benign for Osteoglophonic dysplasia. Last evaluated: 2018-01-12. Review status: criteria provided, single submitter. Criteria: ICSL Variant Classification Criteria 13 December 2019. Collection method: clinical testing. Allele origin: germline.
Comment: This variant was observed in the ICSL laboratory as part of a predisposition screen in an ostensibly healthy population. It had not been previously curated by ICSL or reported in the Human Gene Mutation Database (HGMD: prior to June 1st, 2018), and was therefore a candidate for classification through an automated scoring system. Utilizing variant allele frequency, disease prevalence and penetrance estimates, and inheritance mode, an automated score was calculated to assess if this variant is too frequent to cause the disease. Based on the score and internal cut-off values, a variant classified as benign is not then subjected to further curation. The score for this variant resulted in a classification of benign for this disease.

Illumina Laboratory Services, Illumina
Classification: Benign for Hypogonadotropic hypogonadism 2 with or without anosmia. Last evaluated: 2018-01-12. Review status: criteria provided, single submitter. Criteria: ICSL Variant Classification Criteria 13 December 2019. Collection method: clinical testing. Allele origin: germline.
Comment: the same text as in the submission from Illumina Laboratory Services, Illumina above.

Illumina Laboratory Services, Illumina
Classification: Benign for Craniosynostosis. Last evaluated: 2018-01-12. Review status: criteria provided, single submitter. Criteria: ICSL Variant Classification Criteria 13 December 2019. Collection method: clinical testing. Allele origin: germline.
Comment: the same text as in the submission from Illumina Laboratory Services, Illumina above.

Illumina Laboratory Services, Illumina
Classification: Benign for Trigonocephaly 1. Last evaluated: 2018-01-12. Review status: criteria provided, single submitter. Criteria: ICSL Variant Classification Criteria 13 December 2019. Collection method: clinical testing. Allele origin: germline.
Comment: the same text as in the submission from Illumina Laboratory Services, Illumina above.